The following is an entry in ClinVar:

NM_000330.4(RS1):c.455del (p.Ser152fs)

Genes: CDKL5 (cyclin dependent kinase like 5; plus strand), RS1 (retinoschisin 1; minus strand). Cytogenetic location: Xp22.13.
Variant type: Deletion.
Coding change: c.455del on transcript NM_000330.4 (MANE Select); coding-DNA position 455, one base deleted (G; older notation c.455delG).
Protein change: p.Ser152fs; shifts the reading frame from serine 152.
Molecular consequence: frameshift variant. On other transcripts: intron variant (2).
Genome position (GRCh38, 1-based): chrX:18,644,497, C deleted on the plus strand (G on the coding strand, the reverse complement: RS1 is on the minus strand). VCF-style (leftmost placement, unchanged base first): chrX-18644496-GC-G. GRCh37 (hg19) VCF-style: chrX-18662616-GC-G.
Other names: c.2714-1510del (NM_003159.3, NM_001037343.2); short protein forms S152fs.
Identifiers: ClinVar variation 1705523 (VCV001705523.1), dbSNP rs2518919702, ClinGen allele CA2580100401.

ClinVar aggregate classification (germline): Likely pathogenic (1 of 4 stars; one submission).

Conditions:
Juvenile retinoschisis (RS1). Also called: X-Linked Juvenile Retinoschisis; X-linked retinoschisis. Identifiers: Orphanet 792, MedGen C3714753, MONDO:0010725, OMIM 312700.

Submission:

3billion
Classification: Likely pathogenic for Juvenile retinoschisis. Last evaluated: 2022-09-01. Review status: criteria provided, single submitter. Criteria: ACMG Guidelines, 2015. Collection method: clinical testing. Allele origin: germline. Affected: yes. Observed: 1 hemizygote.
Comment: The variant is not observed in the gnomAD v2.1.1 dataset. It is predicted to result in a loss or disruption of normal protein function through nonsense-mediated decay (NMD) or protein truncation. Multiple pathogenic variants are reported downstream of the variant. Therefore, this variant is classified as Likely pathogenic according to the recommendation of ACMG/AMP guideline.